The following is an entry in ClinVar:

ClinVar aggregate classification (germline): Uncertain significance. Review status: criteria provided, multiple submitters, no conflicts (2 of 4 stars). 2 submissions from 2 submitters: Uncertain significance (2). Last evaluated 2025-08-05.

Conditions:
Inborn genetic diseases. Identifiers: MedGen C0950123, MeSH D030342.
Nephronophthisis 18 (NPHP18). Identifiers: Orphanet 655, MedGen C3890591, MONDO:0014374, OMIM 615862.

Allele frequency attached by ClinVar (database versions not stated): gnomAD exomes 0.00010 and 0.00026; ExAC 0.00012; gnomAD 0.00012 and 0.00014; TOPMed 0.00014; ESP Exome Variant Server 0.00041.
gnomAD v4.1: 385 of 1,607,752 alleles (0.024%); highest among the groups gnomAD compares: Non-Finnish European, 0.032%; no homozygotes.

Submissions (2):

Ambry Genetics
Classification: Uncertain significance for Inborn genetic diseases. Last evaluated: 2025-08-05. Review status: criteria provided, single submitter. Criteria: Ambry Variant Classification Scheme 2023. Collection method: clinical testing. Allele origin: germline.

Labcorp Genetics (formerly Invitae), Labcorp
Classification: Uncertain significance for Nephronophthisis 18. Last evaluated: 2024-10-25. Review status: criteria provided, single submitter. Criteria: Invitae Variant Classification Sherloc (09022015). Collection method: clinical testing. Allele origin: germline.
Comment: This sequence change replaces leucine, which is neutral and non-polar, with isoleucine, which is neutral and non-polar, at codon 337 of the CEP83 protein (p.Leu337Ile). This variant is present in population databases (rs201914992, gnomAD 0.02%). This variant has not been reported in the literature in individuals affected with CEP83-related conditions. ClinVar contains an entry for this variant (Variation ID: 968898). Invitae Evidence Modeling of protein sequence and biophysical properties (such as structural, functional, and spatial information, amino acid conservation, physicochemical variation, residue mobility, and thermodynamic stability) indicates that this missense variant is not expected to disrupt CEP83 protein function with a negative predictive value of 80%. In summary, the available evidence is currently insufficient to determine the role of this variant in disease. Therefore, it has been classified as a Variant of Uncertain Significance.

NM_016122.3(CEP83):c.1009C>A (p.Leu337Ile)

Gene: CEP83 (centrosomal protein 83; minus strand). Cytogenetic location: 12q22.
Variant type: single nucleotide variant.
Coding change: c.1009C>A on transcript NM_016122.3 (MANE Select); coding-DNA position 1009, C replaced by A.
Protein change: p.Leu337Ile; replaces leucine 337 with isoleucine.
Molecular consequence: missense variant. On other transcripts: non-coding transcript variant (2).
Genome position (GRCh38, 1-based): chr12:94,369,961, G>T on the plus strand (C>A on the coding strand, the complement: CEP83 is on the minus strand). VCF-style: chr12-94369961-G-T. GRCh37 (hg19) VCF-style: chr12-94763737-G-T.
Other names: c.1009C>A, p.Leu337Ile (NM_001042399.2, NM_001346457.2, NM_001346460.2 and 3 more transcripts); c.697C>A, p.Leu233Ile (NM_001346458.2, NM_001346459.2, NM_001346462.2 and 2 more transcripts); c.784C>A, p.Leu262Ile (NM_001368041.1); c.472C>A, p.Leu158Ile (NM_001368042.1); short protein forms L337I, L158I, L262I, L233I.
Identifiers: ClinVar variation 968898 (VCV000968898.9), dbSNP rs201914992, ClinGen allele CA6721779.